The following is an entry in ClinVar:

ClinVar aggregate classification (germline): Likely pathogenic (1 of 4 stars; one submission).

Conditions:
GBE1-related disorder. Also called: GBE1-related condition; GBE1-related disorders. Identifiers: MedGen CN239402.

Submission:

PreventionGenetics, part of Exact Sciences
Classification: Likely pathogenic for GBE1-related condition. Last evaluated: 2023-04-13. Review status: criteria provided, single submitter. Criteria: ACMG Guidelines, 2015. Collection method: clinical testing. Allele origin: germline.
Comment: The GBE1 c.1432G>T variant is predicted to result in premature protein termination (p.Glu478*). To our knowledge, this variant has not been reported in the literature or in a large population database, indicating this variant is rare. Nonsense variants in GBE1 are expected to be pathogenic. This variant is interpreted as likely pathogenic.

NM_000158.4(GBE1):c.1432G>T (p.Glu478Ter)

Gene: GBE1 (1,4-alpha-glucan branching enzyme 1; minus strand). Cytogenetic location: 3p12.2.
Variant type: single nucleotide variant.
Coding change: c.1432G>T on transcript NM_000158.4 (MANE Select); coding-DNA position 1432, G replaced by T.
Protein change: p.Glu478Ter; replaces glutamic acid 478 with a stop codon.
Molecular consequence: nonsense.
Genome position (GRCh38, 1-based): chr3:81,581,179, C>A on the plus strand (G>T on the coding strand, the complement: GBE1 is on the minus strand). VCF-style: chr3-81581179-C-A. GRCh37 (hg19) VCF-style: chr3-81630330-C-A.
Other names: short protein forms E478*.
Identifiers: ClinVar variation 2633620 (VCV002633620.1), dbSNP rs2471727172, ClinGen allele CA353684972.